The following is an entry in ClinVar:

ClinVar aggregate classification (germline): Likely benign (1 of 4 stars; one submission).

Submission:

CeGaT Center for Human Genetics Tuebingen
Classification: Likely benign. Last evaluated: 2025-08-01. Review status: criteria provided, single submitter. Criteria: CeGaT Center For Human Genetics Tuebingen Variant Classification Criteria Version 2. Collection method: clinical testing. Allele origin: germline. Affected: yes. Observed: 1 variant allele.
Comment: DICER1: PM2:Supporting, BP4, BP7

NM_177438.3(DICER1):c.2982T>G (p.Ser994=)

Gene: DICER1 (dicer 1, ribonuclease III; minus strand). Cytogenetic location: 14q32.13.
Variant type: single nucleotide variant.
Coding change: c.2982T>G on transcript NM_177438.3 (MANE Select); coding-DNA position 2982, T replaced by G.
Protein change: p.Ser994=; no amino-acid change (serine 994 retained).
Molecular consequence: synonymous variant. On other transcripts: non-coding transcript variant (6).
Genome position (GRCh38, 1-based): chr14:95,106,046, A>C on the plus strand (T>G on the coding strand, the complement: DICER1 is on the minus strand). VCF-style: chr14-95106046-A-C. GRCh37 (hg19) VCF-style: chr14-95572383-A-C.
Other names: c.2982T>G, p.Ser994= (NM_001195573.1, NM_001271282.3, NM_001291628.2 and 12 more transcripts); c.2700T>G, p.Ser900= (NM_001395686.1); c.2577T>G, p.Ser859= (NM_001395687.1, NM_001395688.1, NM_001395689.1 and 2 more transcripts); c.2415T>G, p.Ser805= (NM_001395691.1); c.1299T>G, p.Ser433= (NM_001395697.1).
Identifiers: ClinVar variation 4085756 (VCV004085756.8).